The following is an entry in ClinVar:

NM_004863.4(SPTLC2):c.1102G>A (p.Glu368Lys)

Gene: SPTLC2 (serine palmitoyltransferase long chain base subunit 2; minus strand). Cytogenetic location: 14q24.3.
Variant type: single nucleotide variant.
Coding change: c.1102G>A on transcript NM_004863.4 (MANE Select); coding-DNA position 1102, G replaced by A.
Protein change: p.Glu368Lys; replaces glutamic acid 368 with lysine.
Molecular consequence: missense variant.
Genome position (GRCh38, 1-based): chr14:77,555,374, C>T on the plus strand (G>A on the coding strand, the complement: SPTLC2 is on the minus strand). VCF-style: chr14-77555374-C-T. GRCh37 (hg19) VCF-style: chr14-78021717-C-T.
Other names: short protein forms E368K.
Identifiers: ClinVar variation 3667804 (VCV003667804.2).

ClinVar aggregate classification (germline): Uncertain significance (1 of 4 stars; one submission).

Conditions:
Neuropathy, hereditary sensory and autonomic, type 1C. Also called: HSAN IC; HSN IC. Identifiers: Orphanet 36386, MedGen C3150896, MONDO:0013337, OMIM 613640.

gnomAD v4.1: 7 of 1,614,154 alleles (0.00043%); highest among the groups gnomAD compares: East Asian, 0.0022%; no homozygotes.

Submission:

Labcorp Genetics (formerly Invitae), Labcorp
Classification: Uncertain significance for Neuropathy, hereditary sensory and autonomic, type 1C. Last evaluated: 2024-08-14. Review status: criteria provided, single submitter. Criteria: Invitae Variant Classification Sherloc (09022015). Collection method: clinical testing. Allele origin: germline.
Comment: This sequence change replaces glutamic acid, which is acidic and polar, with lysine, which is basic and polar, at codon 368 of the SPTLC2 protein (p.Glu368Lys). This variant is present in population databases (rs369325503, gnomAD 0.0009%). This variant has not been reported in the literature in individuals affected with SPTLC2-related conditions. Invitae Evidence Modeling of protein sequence and biophysical properties (such as structural, functional, and spatial information, amino acid conservation, physicochemical variation, residue mobility, and thermodynamic stability) indicates that this missense variant is not expected to disrupt SPTLC2 protein function with a negative predictive value of 80%. In summary, the available evidence is currently insufficient to determine the role of this variant in disease. Therefore, it has been classified as a Variant of Uncertain Significance.